The following is an entry in ClinVar:

ClinVar aggregate classification (germline): Pathogenic (1 of 4 stars; one submission).

Conditions:
Perlman syndrome (PRLMNS). Identifiers: Orphanet 2849, MedGen C0796113, MONDO:0009965, OMIM 267000.

Allele frequency attached by ClinVar (database versions not stated): gnomAD exomes below 0.00001.
gnomAD v4.1: 1 of 1,611,202 alleles (0.000062%); highest among the groups gnomAD compares: East Asian, 0.0022%; no homozygotes.

Submission:

Labcorp Genetics (formerly Invitae), Labcorp
Classification: Pathogenic for Perlman syndrome. Last evaluated: 2021-05-25. Review status: criteria provided, single submitter. Criteria: Invitae Variant Classification Sherloc (09022015). Collection method: clinical testing. Allele origin: germline.
Comment: For these reasons, this variant has been classified as Pathogenic. This variant has not been reported in the literature in individuals with DIS3L2-related conditions. This variant is not present in population databases (ExAC no frequency). This sequence change creates a premature translational stop signal (p.Trp121*) in the DIS3L2 gene. It is expected to result in an absent or disrupted protein product. Loss-of-function variants in DIS3L2 are known to be pathogenic (PMID: 22306653, 28328139).

Literature cited by the submitters: PubMed 22306653; PubMed 28328139.

NM_152383.5(DIS3L2):c.363G>A (p.Trp121Ter)

Gene: DIS3L2 (DIS3 like 3'-5' exoribonuclease 2; plus strand). Cytogenetic location: 2q37.1.
Variant type: single nucleotide variant.
Coding change: c.363G>A on transcript NM_152383.5 (MANE Select); coding-DNA position 363, G replaced by A.
Protein change: p.Trp121Ter; replaces tryptophan 121 with a stop codon.
Molecular consequence: nonsense. On other transcripts: non-coding transcript variant (2).
Genome position (GRCh38, 1-based): chr2:232,030,077, G>A. VCF-style: chr2-232030077-G-A. GRCh37 (hg19) VCF-style: chr2-232894787-G-A.
Other names: c.363G>A, p.Trp121Ter (NM_001257281.2, NM_001257282.2); short protein forms W121*.
Identifiers: ClinVar variation 1459337 (VCV001459337.6), dbSNP rs2106239900, ClinGen allele CA351153049.